The following is an entry in ClinVar:

NM_004991.4(MECOM):c.2660C>T (p.Pro887Leu)

Gene: MECOM (MDS1 and EVI1 complex locus; minus strand). Cytogenetic location: 3q26.2.
Variant type: single nucleotide variant.
Coding change: c.2660C>T on transcript NM_004991.4 (MANE Select); coding-DNA position 2660, C replaced by T.
Protein change: p.Pro887Leu; replaces proline 887 with leucine.
Molecular consequence: missense variant.
Genome position (GRCh38, 1-based): chr3:169,102,171, G>A on the plus strand (C>T on the coding strand, the complement: MECOM is on the minus strand). VCF-style: chr3-169102171-G-A. GRCh37 (hg19) VCF-style: chr3-168819959-G-A.
Other names: c.2291C>T, p.Pro764Leu (NM_001105077.4); c.2096C>T, p.Pro699Leu (NM_001105078.4, NM_001205194.2, NM_001366469.2 and 1 more transcripts); c.2072C>T, p.Pro691Leu (NM_001163999.2, NM_001366470.2); c.2069C>T, p.Pro690Leu (NM_001164000.2, NM_001366471.2, NM_001366472.2); c.2633C>T, p.Pro878Leu (NM_001366466.2); c.2099C>T, p.Pro700Leu (NM_001366467.2, NM_001366468.2); c.1661C>T, p.Pro554Leu (NM_001366473.2); c.1097C>T, p.Pro366Leu (NM_001366474.2); short protein forms P887L, P690L, P700L, P764L, P554L, P878L, P366L, P691L.
Identifiers: ClinVar variation 4624631 (VCV004624631.1).

ClinVar aggregate classification (germline): Uncertain significance (1 of 4 stars; one submission).

Conditions:
Inborn genetic diseases. Identifiers: MedGen C0950123, MeSH D030342.

Submission:

Ambry Genetics
Classification: Uncertain significance for Inborn genetic diseases. Last evaluated: 2025-10-08. Review status: criteria provided, single submitter. Criteria: Ambry Variant Classification Scheme 2023. Collection method: clinical testing. Allele origin: germline.
Comment: The p.P887L variant (also known as c.2660C>T), located in coding exon 11 of the MECOM gene, results from a C to T substitution at nucleotide position 2660. The proline at codon 887 is replaced by leucine, an amino acid with similar properties. This amino acid position is conserved. In addition, this alteration is predicted to be tolerated by in silico analysis. Based on the available evidence, the clinical significance of this variant remains unclear.